The following is an entry in ClinVar:

ClinVar aggregate classification (germline): Conflicting classifications of pathogenicity. Review status: criteria provided, conflicting classifications (1 of 4 stars). 2 submissions from 2 submitters: Uncertain significance (1); Likely benign (1). Last evaluated 2022-05-27.

Conditions:
Inborn genetic diseases. Identifiers: MedGen C0950123, MeSH D030342.

Allele frequency attached by ClinVar (database versions not stated): gnomAD exomes 0.00001; TOPMed 0.00003; gnomAD 0.00005.
gnomAD v4.1: 29 of 1,546,982 alleles (0.0019%); highest among the groups gnomAD compares: African/African-American, 0.022%; no homozygotes.

Submissions (2):

Ambry Genetics
Classification: Likely benign for Inborn genetic diseases. Last evaluated: 2022-05-27. Review status: criteria provided, single submitter. Criteria: Ambry Variant Classification Scheme 2023. Collection method: clinical testing. Allele origin: germline.

Labcorp Genetics (formerly Invitae), Labcorp
Classification: Uncertain significance. Last evaluated: 2021-08-24. Review status: criteria provided, single submitter. Criteria: Invitae Variant Classification Sherloc (09022015). Collection method: clinical testing. Allele origin: germline.
Comment: This sequence change replaces valine with isoleucine at codon 1235 of the COL27A1 protein (p.Val1235Ile). The valine residue is weakly conserved and there is a small physicochemical difference between valine and isoleucine. This variant is not present in population databases (ExAC no frequency). This variant has not been reported in the literature in individuals affected with COL27A1-related conditions. Algorithms developed to predict the effect of missense changes on protein structure and function output the following: SIFT: "Tolerated"; PolyPhen-2: "Possibly Damaging"; Align-GVGD: "Class C0". The isoleucine amino acid residue is found in multiple mammalian species, which suggests that this missense change does not adversely affect protein function. In summary, the available evidence is currently insufficient to determine the role of this variant in disease. Therefore, it has been classified as a Variant of Uncertain Significance.

NM_032888.4(COL27A1):c.3703G>A (p.Val1235Ile)

Gene: COL27A1 (collagen type XXVII alpha 1 chain; plus strand). Cytogenetic location: 9q32.
Variant type: single nucleotide variant.
Coding change: c.3703G>A on transcript NM_032888.4 (MANE Select); coding-DNA position 3703, G replaced by A.
Protein change: p.Val1235Ile; replaces valine 1235 with isoleucine.
Molecular consequence: missense variant.
Genome position (GRCh38, 1-based): chr9:114,275,754, G>A. VCF-style: chr9-114275754-G-A. GRCh37 (hg19) VCF-style: chr9-117038034-G-A.
Other names: c.3703G>A (NM_032888.2); short protein forms V1235I.
Identifiers: ClinVar variation 2141913 (VCV002141913.2), dbSNP rs1039017551, ClinGen allele CA198653921.